The following is an entry in ClinVar:

NM_201599.3(ZMYM3):c.701C>T (p.Pro234Leu)

Gene: ZMYM3 (zinc finger MYM-type containing 3; minus strand). Cytogenetic location: Xq13.1.
Variant type: single nucleotide variant.
Coding change: c.701C>T on transcript NM_201599.3 (MANE Select); coding-DNA position 701, C replaced by T.
Protein change: p.Pro234Leu; replaces proline 234 with leucine.
Molecular consequence: missense variant.
Genome position (GRCh38, 1-based): chrX:71,251,568, G>A on the plus strand (C>T on the coding strand, the complement: ZMYM3 is on the minus strand). VCF-style: chrX-71251568-G-A. GRCh37 (hg19) VCF-style: chrX-70471418-G-A.
Other names: c.701C>T, p.Pro234Leu (NM_001171162.1, NM_001171163.1, NM_005096.3); short protein forms P234L.
Identifiers: ClinVar variation 3778541 (VCV003778541.8).

ClinVar aggregate classification (germline): Conflicting classifications of pathogenicity. Review status: criteria provided, conflicting classifications (1 of 4 stars). 2 submissions from 2 submitters: Uncertain significance (1); Likely benign (1). Last evaluated 2025-06-07.

Conditions:
Inborn genetic diseases. Identifiers: MedGen C0950123, MeSH D030342.

Submissions (2):

Ambry Genetics
Classification: Uncertain significance for Inborn genetic diseases. Last evaluated: 2025-06-07. Review status: criteria provided, single submitter. Criteria: Ambry Variant Classification Scheme 2023. Collection method: clinical testing. Allele origin: germline.

CeGaT Center for Human Genetics Tuebingen
Classification: Likely benign. Last evaluated: 2025-03-01. Review status: criteria provided, single submitter. Criteria: CeGaT Center For Human Genetics Tuebingen Variant Classification Criteria Version 2. Collection method: clinical testing. Allele origin: germline. Affected: yes. Observed: 1 variant allele.
Comment: ZMYM3: BS2